The following is an entry in ClinVar:

ClinVar aggregate classification (germline): Uncertain significance. Review status: criteria provided, multiple submitters, no conflicts (2 of 4 stars). 2 submissions from 2 submitters: Uncertain significance (2). Last evaluated 2026-03-26.

Allele frequency attached by ClinVar (database versions not stated): gnomAD 0.00003; ExAC 0.00004; TOPMed 0.00002.

Submissions (2):

Ambry Genetics
Classification: Uncertain significance. Last evaluated: 2026-03-26. Review status: criteria provided, single submitter. Criteria: Ambry Variant Classification Scheme 2023. Collection method: clinical testing. Allele origin: germline.

Labcorp Genetics (formerly Invitae), Labcorp
Classification: Uncertain significance. Last evaluated: 2022-11-29. Review status: criteria provided, single submitter. Criteria: Invitae Variant Classification Sherloc (09022015). Collection method: clinical testing. Allele origin: germline.
Comment: In summary, the available evidence is currently insufficient to determine the role of this variant in disease. Therefore, it has been classified as a Variant of Uncertain Significance. Advanced modeling of protein sequence and biophysical properties (such as structural, functional, and spatial information, amino acid conservation, physicochemical variation, residue mobility, and thermodynamic stability) performed at Invitae indicates that this missense variant is not expected to disrupt BCAT2 protein function. This variant has not been reported in the literature in individuals affected with BCAT2-related conditions. This variant is present in population databases (rs768593940, gnomAD 0.004%). This sequence change replaces alanine, which is neutral and non-polar, with threonine, which is neutral and polar, at codon 188 of the BCAT2 protein (p.Ala188Thr).

NM_001190.4(BCAT2):c.562G>A (p.Ala188Thr)

Gene: BCAT2 (branched chain amino acid transaminase 2; minus strand). Cytogenetic location: 19q13.33.
Variant type: single nucleotide variant.
Coding change: c.562G>A on transcript NM_001190.4 (MANE Select); coding-DNA position 562, G replaced by A.
Protein change: p.Ala188Thr; replaces alanine 188 with threonine.
Molecular consequence: missense variant.
Genome position (GRCh38, 1-based): chr19:48,799,808, C>T on the plus strand (G>A on the coding strand, the complement: BCAT2 is on the minus strand). VCF-style: chr19-48799808-C-T. GRCh37 (hg19) VCF-style: chr19-49303065-C-T.
Other names: c.562G>A (NM_001190.3); c.286G>A, p.Ala96Thr (NM_001164773.2); c.442G>A, p.Ala148Thr (NM_001284325.2); short protein forms A148T, A188T, A96T.
Identifiers: ClinVar variation 1908794 (VCV001908794.4), dbSNP rs768593940, ClinGen allele CA9558374.
Genomic context (GRCh38, chr19:48,799,808, plus strand): 5'-GGGTCACGGAGCCTCCAGGGAAGTAGGCACCCACTGGGCAGAGAATGACGAACAGGAGCG[C>T]GCGCGTGGGCTGGCTGACACCCAGCGAGGGCTGCGACGGGCAAAGGGACAGCGTCAGGAG-3'
Protein context (NP_001181.2, residues 178-198): PSLGVSQPTR[Ala188Thr]LLFVILCPVG